The following is an entry in ClinVar:

NM_013275.6(ANKRD11):c.6361G>A (p.Ala2121Thr)

Gene: ANKRD11 (ankyrin repeat domain 11; minus strand). Cytogenetic location: 16q24.3.
Variant type: single nucleotide variant.
Coding change: c.6361G>A on transcript NM_013275.6 (MANE Select); coding-DNA position 6361, G replaced by A.
Protein change: p.Ala2121Thr; replaces alanine 2121 with threonine.
Molecular consequence: missense variant.
Genome position (GRCh38, 1-based): chr16:89,280,181, C>T on the plus strand (G>A on the coding strand, the complement: ANKRD11 is on the minus strand). VCF-style: chr16-89280181-C-T. GRCh37 (hg19) VCF-style: chr16-89346589-C-T.
Other names: c.6361G>A, p.Ala2121Thr (NM_001256182.2, NM_001256183.2); short protein forms A2121T.
Identifiers: ClinVar variation 1031771 (VCV001031771.1), dbSNP rs769555121, ClinGen allele CA8241484.
Genomic context (GRCh38, chr16:89,280,181, plus strand): 5'-GCTCCGGCAGGGAGAAGGGCCCCAGGTCCAGGTCGTCCTCGGGGCCGGCGAAGGCGTCCG[C>T]CCAGGGCACCGGCTCCACCTGGCCGAGGTGAGACAGGCCGCGGCTGCCGTCCAGGAAGCT-3'
Protein context (NP_037407.4, residues 2111-2131): HLGQVEPVPW[Ala2121Thr]DAFAGPEDDL

ClinVar aggregate classification (germline): Uncertain significance (1 of 4 stars; one submission).

Conditions:
KBG syndrome (KBGS). Also called: ANKRD11-Related KBG Syndrome. Identifiers: Orphanet 2332, MedGen C0220687, MONDO:0007846, OMIM 148050.

Allele frequency attached by ClinVar (database versions not stated): gnomAD exomes 0.00002; ExAC 0.00001; TOPMed 0.00001; gnomAD 0.00003.
gnomAD v4.1: 20 of 1,609,080 alleles (0.0012%); highest among the groups gnomAD compares: Non-Finnish European, 0.0017%; no homozygotes.

Submission:

Baylor Genetics
Classification: Uncertain significance for KBG syndrome. Last evaluated: 2018-02-19. Review status: criteria provided, single submitter. Criteria: ACMG Guidelines, 2015. Collection method: clinical testing. Allele origin: maternal. Affected: yes.
Comment: This variant was determined to be of uncertain significance according to ACMG Guidelines, 2015 [PMID:25741868].